The following is an entry in ClinVar:

NM_016553.5(NUP62):c.1357G>A (p.Asp453Asn)

Genes: IL4I1 (interleukin 4 induced 1; minus strand), NUP62 (nucleoporin 62; minus strand). Cytogenetic location: 19q13.33.
Variant type: single nucleotide variant.
Coding change: c.1357G>A on transcript NM_016553.5 (MANE Select); coding-DNA position 1357, G replaced by A.
Protein change: p.Asp453Asn; replaces aspartic acid 453 with asparagine.
Molecular consequence: missense variant. On other transcripts: intron variant (3).
Genome position (GRCh38, 1-based): chr19:49,908,451, C>T on the plus strand (G>A on the coding strand, the complement: NUP62 is on the minus strand). VCF-style: chr19-49908451-C-T. GRCh37 (hg19) VCF-style: chr19-50411708-C-T.
Other names: c.1357G>A, p.Asp453Asn (NM_001193357.2, NM_012346.5, NM_153718.4 and 1 more transcripts); c.-227-4130G>A (NM_001258017.2, NM_172374.3); c.-285-4130G>A (NM_001258018.2); short protein forms D453N.
Identifiers: ClinVar variation 1374884 (VCV001374884.9), dbSNP rs2122591524, ClinGen allele CA406923802.
Genomic context (GRCh38, chr19:49,908,451, plus strand): 5'-GCTGCAGTGGGTCACTGGTGTCGGCGGGGGCCCCGGACGTGTTCAGGTGCTCGATGATGT[C>T]CTTGAGATCCTGGGCCATGCGCTTGAGCTGTGCATCGATGTTCTCAGCCAGCTTGTAGGT-3'
Protein context (NP_057637.2, residues 443-463): QLKRMAQDLK[Asp453Asn]IIEHLNTSGA

ClinVar aggregate classification (germline): Uncertain significance (1 of 4 stars; one submission).

Allele frequency attached by ClinVar (database versions not stated): gnomAD exomes below 0.00001.
gnomAD v4.1: 1 of 1,614,134 alleles (0.000062%); highest among the groups gnomAD compares: Non-Finnish European, 0.000085%; no homozygotes.

Submission:

Labcorp Genetics (formerly Invitae), Labcorp
Classification: Uncertain significance. Last evaluated: 2021-12-02. Review status: criteria provided, single submitter. Criteria: Invitae Variant Classification Sherloc (09022015). Collection method: clinical testing. Allele origin: germline.
Comment: In summary, the available evidence is currently insufficient to determine the role of this variant in disease. Therefore, it has been classified as a Variant of Uncertain Significance. Algorithms developed to predict the effect of missense changes on protein structure and function are either unavailable or do not agree on the potential impact of this missense change (SIFT: "Deleterious"; PolyPhen-2: "Benign"; Align-GVGD: "Class C0"). This variant has not been reported in the literature in individuals affected with NUP62-related conditions. This variant is not present in population databases (gnomAD no frequency). This sequence change replaces aspartic acid, which is acidic and polar, with asparagine, which is neutral and polar, at codon 453 of the NUP62 protein (p.Asp453Asn).